The following is an entry in ClinVar:

ClinVar aggregate classification (germline): Likely benign. Review status: criteria provided, single submitter (1 of 4 stars). 2 submissions from 2 submitters: Likely benign (1). 1 of the submissions does not count toward it. Last evaluated 2018-11-05.

Conditions:
BMS1-related disorder. Also called: BMS1-related condition.

Allele frequency attached by ClinVar (database versions not stated): gnomAD 0.00006 and 0.00009; TOPMed 0.00011; ExAC 0.00026; 1000 Genomes Project 0.00040; 1000 Genomes Project 30x 0.00047.
gnomAD v4.1: 134 of 1,613,946 alleles (0.0083%); highest among the groups gnomAD compares: East Asian, 0.21%; no homozygotes.

Submissions (2):

Labcorp Genetics (formerly Invitae), Labcorp
Classification: Likely benign. Last evaluated: 2018-11-05. Review status: criteria provided, single submitter. Criteria: Invitae Variant Classification Sherloc (09022015). Collection method: clinical testing. Allele origin: germline.

PreventionGenetics, part of Exact Sciences
Classification: Likely benign for BMS1-related condition. Last evaluated: 2019-06-12. Review status: no assertion criteria provided. Collection method: clinical testing. Allele origin: germline. Not counted in ClinVar's aggregate classification.
Comment: This variant is classified as likely benign based on ACMG/AMP sequence variant interpretation guidelines (Richards et al. 2015 PMID: 25741868, with internal and published modifications).

NM_014753.4(BMS1):c.260T>C (p.Val87Ala)

Gene: BMS1 (BMS1 ribosome biogenesis factor; plus strand). Cytogenetic location: 10q11.21.
Variant type: single nucleotide variant.
Coding change: c.260T>C on transcript NM_014753.4 (MANE Select); coding-DNA position 260, T replaced by C.
Protein change: p.Val87Ala; replaces valine 87 with alanine.
Molecular consequence: missense variant.
Genome position (GRCh38, 1-based): chr10:42,785,565, T>C. VCF-style: chr10-42785565-T-C. GRCh37 (hg19) VCF-style: chr10-43281013-T-C.
Other names: short protein forms V87A.
Identifiers: ClinVar variation 794146 (VCV000794146.5), dbSNP rs201298233, ClinGen allele CA5475372.